The following is an entry in ClinVar:

ClinVar aggregate classification (germline): Uncertain significance (1 of 4 stars; one submission).

Allele frequency attached by ClinVar (database versions not stated): gnomAD exomes 0.00004; ESP Exome Variant Server 0.00008; ExAC 0.00014; gnomAD 0.00019; TOPMed 0.00032; 1000 Genomes Project 0.00080; 1000 Genomes Project 30x 0.00094.

Submission:

Labcorp Genetics (formerly Invitae), Labcorp
Classification: Uncertain significance. Last evaluated: 2025-11-04. Review status: criteria provided, single submitter. Criteria: Invitae Variant Classification Sherloc (09022015). Collection method: clinical testing. Allele origin: germline.
Comment: This sequence change replaces glutamic acid, which is acidic and polar, with lysine, which is basic and polar, at codon 642 of the NIN protein (p.Glu642Lys). This variant is present in population databases (rs200193453, gnomAD 0.09%), and has an allele count higher than expected for a pathogenic variant. This variant has not been reported in the literature in individuals affected with NIN-related conditions. ClinVar contains an entry for this variant (Variation ID: 2047599). An algorithm developed to predict the effect of missense changes on protein structure and function (PolyPhen-2) suggests that this variant is likely to be tolerated. In summary, the available evidence is currently insufficient to determine the role of this variant in disease. Therefore, it has been classified as a Variant of Uncertain Significance.

NM_020921.4(NIN):c.1924G>A (p.Glu642Lys)

Gene: NIN (ninein; minus strand). Cytogenetic location: 14q22.1.
Variant type: single nucleotide variant.
Coding change: c.1924G>A on transcript NM_020921.4 (MANE Select); coding-DNA position 1924, G replaced by A.
Protein change: p.Glu642Lys; replaces glutamic acid 642 with lysine.
Molecular consequence: missense variant.
Genome position (GRCh38, 1-based): chr14:50,760,332, C>T on the plus strand (G>A on the coding strand, the complement: NIN is on the minus strand). VCF-style: chr14-50760332-C-T. GRCh37 (hg19) VCF-style: chr14-51227050-C-T.
Other names: c.1924G>A, p.Glu642Lys (NM_016350.5, NM_182944.3, NM_182946.2); short protein forms E642K.
Identifiers: ClinVar variation 2047599 (VCV002047599.4), dbSNP rs200193453, ClinGen allele CA7182035.